The following is an entry in ClinVar:

NM_032790.3(ORAI1):c.662C>T

Gene: ORAI1 (ORAI calcium release-activated calcium modulator 1; plus strand). Cytogenetic location: 12q24.31.
Variant type: single nucleotide variant.
Coding change: c.662C>T on transcript NM_032790.3; coding-DNA position 662, C replaced by T.
Molecular consequence: non-coding transcript variant (on NR_186857.1).
Genome position (GRCh38, 1-based): chr12:121,641,399, C>T. VCF-style: chr12-121641399-C-T. GRCh37 (hg19) VCF-style: chr12-122079305-C-T.
Identifiers: ClinVar variation 4535842 (VCV004535842.1).
Genomic context (GRCh38, chr12:121,641,399, plus strand): 5'-CCCTCAAGAAGCAGCCAGGCCAGCCAAGGCCCACCAGCAAGCCCCCCGCCAGTGGCGCAG[C>T]AGCCAACGTCAGCACCAGCGGCATCACCCCGGGCCAGGCAGCTGCCATCGCCTCGACCAC-3'

ClinVar aggregate classification (germline): Uncertain significance (1 of 4 stars; one submission).

Submission:

Women's Health and Genetics/Laboratory Corporation of America, LabCorp
Classification: Uncertain significance. Last evaluated: 2025-09-03. Review status: criteria provided, single submitter. Criteria: LabCorp Variant Classification Summary - May 2015. Collection method: clinical testing. Allele origin: germline.
Comment: Variant summary: ORAI1 c.668C>T (p.Ala223Val; also annotated as c.662C>T (p.Ala221Val)) results in a non-conservative amino acid change in the encoded protein sequence. Algorithms developed to predict the effect of missense changes on protein structure and function are either unavailable or do not agree on the potential impact of this missense change. The frequency data for this variant in gnomAD is considered unreliable, as metrics indicate poor data quality at this position. To our knowledge, no occurrence of c.668C>T in individuals affected with ORAI1-related conditions and no experimental evidence demonstrating its impact on protein function have been reported. No submitters have cited clinical-significance assessments for this variant to ClinVar. Based on the evidence outlined above, the variant was classified as uncertain significance.